The following is an entry in ClinVar:

NM_005334.3(HCFC1):c.4807A>G (p.Met1603Val)

Gene: HCFC1 (host cell factor C1; minus strand). Cytogenetic location: Xq28.
Variant type: single nucleotide variant.
Coding change: c.4807A>G on transcript NM_005334.3 (MANE Select); coding-DNA position 4807, A replaced by G.
Protein change: p.Met1603Val; replaces methionine 1603 with valine.
Molecular consequence: missense variant.
Genome position (GRCh38, 1-based): chrX:153,952,649, T>C on the plus strand (A>G on the coding strand, the complement: HCFC1 is on the minus strand). VCF-style: chrX-153952649-T-C. GRCh37 (hg19) VCF-style: chrX-153218100-T-C.
Other names: short protein forms M1603V.
Identifiers: ClinVar variation 1303392 (VCV001303392.2), dbSNP rs2148563210, ClinGen allele CA415109945.
Genomic context (GRCh38, chrX:153,952,649, plus strand): 5'-GGGCAGCTGCTTCTGCAGCAGCCGTCACTGCCAGCTCCTCGGGGGTGAGCCCCGTTACCA[T>C]GAGGGTGGTGGTGCCAGCTTGGGCCTCGGCCATTAGCTCTTGGGGAAGTGATAACTGGTC-3'
Protein context (NP_005325.2, residues 1593-1613): AEAQAGTTTL[Met1603Val]VTGLTPEELA

ClinVar aggregate classification (germline): Uncertain significance (1 of 4 stars; one submission).

Submission:

GeneDx
Classification: Uncertain significance. Last evaluated: 2019-02-18. Review status: criteria provided, single submitter. Criteria: GeneDx Variant Classification Process June 2021. Collection method: clinical testing. Allele origin: germline. Affected: yes.
Comment: Not observed in large population cohorts (Lek et al., 2016); In silico analysis supports that this missense variant does not alter protein structure/function; Has not been previously published as pathogenic or benign to our knowledge